The following is an entry in ClinVar:

ClinVar aggregate classification (germline): Pathogenic/Likely pathogenic. Review status: criteria provided, multiple submitters, no conflicts (2 of 4 stars). 4 submissions from 4 submitters: Pathogenic (1); Likely pathogenic (1). 2 of the submissions do not count toward it. Last evaluated 2023-03-16.

Conditions:
ZMPSTE24-related disorder. Also called: ZMPSTE24-related condition; ZMPSTE24-related disorders. Identifiers: MedGen CN239425.
Lethal tight skin contracture syndrome. Also called: Restrictive dermopathy; RESTRICTIVE DERMOPATHY, LETHAL. Identifiers: Orphanet 1662, MedGen C0406585, MONDO:0031213.

Allele frequency attached by ClinVar (database versions not stated): TOPMed 0.00002; gnomAD 0.00003; gnomAD exomes 0.00004 and 0.00007; ExAC 0.00006; ESP Exome Variant Server 0.00008.

Submissions (4):

Blueprint Genetics
Classification: Likely pathogenic for ZMPSTE24-related disorders. Last evaluated: 2023-03-16. Review status: criteria provided, single submitter. Criteria: ACMG Guidelines, 2015. Collection method: clinical testing. Allele origin: germline. Affected: yes. Observed: 3 variant alleles.

Labcorp Genetics (formerly Invitae), Labcorp
Classification: Pathogenic. Last evaluated: 2022-03-17. Review status: criteria provided, single submitter. Criteria: Invitae Variant Classification Sherloc (09022015). Collection method: clinical testing. Allele origin: germline.
Comment: For these reasons, this variant has been classified as Pathogenic. ClinVar contains an entry for this variant (Variation ID: 30584). This premature translational stop signal has been observed in individual(s) with restrictive dermopathy (PMID: 16297189, 24169522). This variant is present in population databases (rs762551336, gnomAD 0.05%). This sequence change creates a premature translational stop signal (p.Ile19Tyrfs*28) in the ZMPSTE24 gene. It is expected to result in an absent or disrupted protein product. Loss-of-function variants in ZMPSTE24 are known to be pathogenic (PMID: 22718200, 24169522).

OMIM
Classification: Pathogenic for RESTRICTIVE DERMOPATHY, LETHAL. Last evaluated: 2012-10-05. Review status: no assertion criteria provided. Collection method: literature only. Allele origin: germline. Not counted in ClinVar's aggregate classification.

ZMPSTE24 homepage - Leiden Muscular Dystrophy pages
No classification provided. Review status: no classification provided. Collection method: not provided. Allele origin: germline. Not counted in ClinVar's aggregate classification.
Comment: has functional consequence

Literature cited by the submitters: PubMed 16297189 (cited by Labcorp Genetics (formerly Invitae), Labcorp and OMIM); PubMed 24169522 (cited by Labcorp Genetics (formerly Invitae), Labcorp); PubMed 22718200 (cited by Labcorp Genetics (formerly Invitae), Labcorp); PubMed 3840649 (cited by OMIM); PubMed 20034068 (cited by OMIM); PubMed 22981120 (cited by OMIM).

NM_005857.5(ZMPSTE24):c.54dup (p.Ile19fs)

Genes: ZMPSTE24 (zinc metallopeptidase STE24; plus strand), LOC129930253 (ATAC-STARR-seq lymphoblastoid active region 836; plus strand). Cytogenetic location: 1p34.2.
Variant type: Duplication.
Coding change: c.54dup on transcript NM_005857.5 (MANE Select); coding-DNA position 54, one base duplicated (T; older notation c.54dupT).
Protein change: p.Ile19fs; shifts the reading frame from isoleucine 19.
Molecular consequence: frameshift variant.
Genome position (GRCh38, 1-based): chr1:40,258,325, T duplicated. VCF-style (leftmost placement, unchanged base first): chr1-40258324-G-GT. GRCh37 (hg19) VCF-style: chr1-40723996-G-GT.
Other names: ZMPSTE24, 1-BP DUP, 54T; c.54dup (LRG_212t1); short protein forms I19fs.
Identifiers: ClinVar variation 30584 (VCV000030584.7), dbSNP rs281875361, ClinGen allele CA129354.
Genomic context (GRCh38, chr1:40,258,324, plus strand): 5'-GGGTGGCCATGGGGATGTGGGCATCGCTGGACGCTTTGTGGGAGATGCCGGCCGAGAAGC[G>GT]TATCTTCGGGGCCGTGCTGCTCTTTTCCTGGACAGTGTATCTTTGGGAGACCTTCCTAGC-3'